The following is an entry in ClinVar:

ClinVar aggregate classification (germline): Uncertain significance (1 of 4 stars; one submission).

Conditions:
Holoprosencephaly 3 (HPE3). Identifiers: Orphanet 2162, MedGen C1840529, MONDO:0007733, OMIM 142945.

Allele frequency attached by ClinVar (database versions not stated): gnomAD exomes below 0.00001; TOPMed 0.00001.

Submission:

Labcorp Genetics (formerly Invitae), Labcorp
Classification: Uncertain significance for Holoprosencephaly 3. Last evaluated: 2025-02-03. Review status: criteria provided, single submitter. Criteria: Invitae Variant Classification Sherloc (09022015). Collection method: clinical testing. Allele origin: germline.
Comment: This sequence change replaces leucine, which is neutral and non-polar, with proline, which is neutral and non-polar, at codon 8 of the SHH protein (p.Leu8Pro). This variant is not present in population databases (gnomAD no frequency). This variant has not been reported in the literature in individuals affected with SHH-related conditions. ClinVar contains an entry for this variant (Variation ID: 2967886). Invitae Evidence Modeling of protein sequence and biophysical properties (such as structural, functional, and spatial information, amino acid conservation, physicochemical variation, residue mobility, and thermodynamic stability) indicates that this missense variant is not expected to disrupt SHH protein function with a negative predictive value of 80%. In summary, the available evidence is currently insufficient to determine the role of this variant in disease. Therefore, it has been classified as a Variant of Uncertain Significance.

NM_000193.4(SHH):c.23T>C (p.Leu8Pro)

Gene: SHH (sonic hedgehog signaling molecule; minus strand). Cytogenetic location: 7q36.3.
Variant type: single nucleotide variant.
Coding change: c.23T>C on transcript NM_000193.4 (MANE Select); coding-DNA position 23, T replaced by C.
Protein change: p.Leu8Pro; replaces leucine 8 with proline.
Molecular consequence: missense variant.
Genome position (GRCh38, 1-based): chr7:155,812,100, A>G on the plus strand (T>C on the coding strand, the complement: SHH is on the minus strand). VCF-style: chr7-155812100-A-G. GRCh37 (hg19) VCF-style: chr7-155604794-A-G.
Other names: short protein forms L8P.
Identifiers: ClinVar variation 2967886 (VCV002967886.3), dbSNP rs938130628, ClinGen allele CA169426438.
Genomic context (GRCh38, chr7:155,812,100, plus strand): 5'-CTGCCCGGTCCGCACGCCAGTCCCGAGCATACCAGCAGCGAGGAGACGAGGACTAGCAGC[A>G]GACATCTCGCCAGCAGCAGCATCTCGCCCATGGAACTGATGACTTCCGAGCTGTCCCCGT-3'
Protein context (NP_000184.1, residues 1-18): MLLLARC[Leu8Pro]LLVLVSSLLV